The following is an entry in ClinVar:

NM_000393.5(COL5A2):c.4037G>A (p.Arg1346His)

Gene: COL5A2 (collagen type V alpha 2 chain; minus strand). Cytogenetic location: 2q32.2.
Variant type: single nucleotide variant.
Coding change: c.4037G>A on transcript NM_000393.5 (MANE Select); coding-DNA position 4037, G replaced by A.
Protein change: p.Arg1346His; replaces arginine 1346 with histidine.
Molecular consequence: missense variant.
Genome position (GRCh38, 1-based): chr2:189,036,692, C>T on the plus strand (G>A on the coding strand, the complement: COL5A2 is on the minus strand). VCF-style: chr2-189036692-C-T. GRCh37 (hg19) VCF-style: chr2-189901418-C-T.
Other names: short protein forms R1346H.
Identifiers: ClinVar variation 459751 (VCV000459751.10), dbSNP rs143163673, ClinGen allele CA2021869.

ClinVar aggregate classification (germline): Uncertain significance. Review status: criteria provided, multiple submitters, no conflicts (2 of 4 stars). 2 submissions from 2 submitters: Uncertain significance (2). Last evaluated 2026-04-18.

Conditions:
Familial thoracic aortic aneurysm and aortic dissection (TAAD). Also called: Thoracic aortic aneurysms and dissections. Identifiers: Orphanet 91387, MedGen C4707243, MONDO:0019625.
Ehlers-Danlos syndrome, classic type, 1 (EDSCL1). Also called: EHLERS-DANLOS SYNDROME, GRAVIS TYPE; EHLERS-DANLOS SYNDROME, SEVERE CLASSIC TYPE; EDS I; Ehlers-Danlos Syndrome, Classic Type, COL5A1-Related; Ehlers-Danlos syndrome, type 1. Identifiers: MedGen C0268335, MONDO:0019567, OMIM 130000.

Allele frequency attached by ClinVar (database versions not stated): ESP Exome Variant Server 0.00023; gnomAD exomes 0.00001; gnomAD 0.00003; ExAC 0.00001; TOPMed 0.00005.
gnomAD v4.1: 21 of 1,613,630 alleles (0.0013%); highest among the groups gnomAD compares: African/African-American, 0.004%; no homozygotes.

Submissions (2):

Ambry Genetics
Classification: Uncertain significance for Familial thoracic aortic aneurysm and aortic dissection. Last evaluated: 2026-04-18. Review status: criteria provided, single submitter. Criteria: Ambry Variant Classification Scheme 2023. Collection method: clinical testing. Allele origin: germline.
Comment: The p.R1346H variant (also known as c.4037G>A), located in coding exon 52 of the COL5A2 gene, results from a G to A substitution at nucleotide position 4037. The arginine at codon 1346 is replaced by histidine, an amino acid with highly similar properties. This amino acid position is conserved. In addition, this alteration is predicted to be tolerated by in silico analysis. Based on the available evidence, the clinical significance of this variant remains unclear.

Labcorp Genetics (formerly Invitae), Labcorp
Classification: Uncertain significance for Ehlers-Danlos syndrome, classic type, 1. Last evaluated: 2024-02-23. Review status: criteria provided, single submitter. Criteria: Invitae Variant Classification Sherloc (09022015). Collection method: clinical testing. Allele origin: germline.
Comment: This sequence change replaces arginine, which is basic and polar, with histidine, which is basic and polar, at codon 1346 of the COL5A2 protein (p.Arg1346His). This variant is present in population databases (rs143163673, gnomAD 0.002%). This variant has not been reported in the literature in individuals affected with COL5A2-related conditions. ClinVar contains an entry for this variant (Variation ID: 459751). Advanced modeling of protein sequence and biophysical properties (such as structural, functional, and spatial information, amino acid conservation, physicochemical variation, residue mobility, and thermodynamic stability) performed at Invitae indicates that this missense variant is not expected to disrupt COL5A2 protein function with a negative predictive value of 80%. In summary, the available evidence is currently insufficient to determine the role of this variant in disease. Therefore, it has been classified as a Variant of Uncertain Significance.